The following is an entry in ClinVar:

NM_014639.4(SKIC3):c.3985C>G (p.Leu1329Val)

Gene: SKIC3 (SKI3 subunit of superkiller complex; minus strand). Cytogenetic location: 5q15.
Variant type: single nucleotide variant.
Coding change: c.3985C>G on transcript NM_014639.4 (MANE Select); coding-DNA position 3985, C replaced by G.
Protein change: p.Leu1329Val; replaces leucine 1329 with valine.
Molecular consequence: missense variant.
Genome position (GRCh38, 1-based): chr5:95,484,792, G>C on the plus strand (C>G on the coding strand, the complement: SKIC3 is on the minus strand). VCF-style: chr5-95484792-G-C. GRCh37 (hg19) VCF-style: chr5-94820496-G-C.
Other names: short protein forms L1329V.
Identifiers: ClinVar variation 1493817 (VCV001493817.3), dbSNP rs1258616965, ClinGen allele CA360445556.
Genomic context (GRCh38, chr5:95,484,792, plus strand): 5'-AGAGAGTTTCAGCTTCAGATATTCTTCCTGTGTCTATTAGACCAGTGACAGCTTGTGAGA[G>C]AGACCACTTTTCAAGGGACTGGTTGTAATTTTCAAAGAATTTTTCGTCTTTAACTGTAAA-3'
Protein context (NP_055454.1, residues 1319-1339): NYNQSLEKWS[Leu1329Val]SQAVTGLIDT

ClinVar aggregate classification (germline): Uncertain significance (1 of 4 stars; one submission).

Allele frequency attached by ClinVar (database versions not stated): gnomAD 0.00001.
gnomAD v4.1: 25 of 1,614,016 alleles (0.0015%); highest among the groups gnomAD compares: Non-Finnish European, 0.0014%; no homozygotes.

Submission:

Labcorp Genetics (formerly Invitae), Labcorp
Classification: Uncertain significance. Last evaluated: 2022-04-25. Review status: criteria provided, single submitter. Criteria: Invitae Variant Classification Sherloc (09022015). Collection method: clinical testing. Allele origin: germline.
Comment: This sequence change replaces leucine, which is neutral and non-polar, with valine, which is neutral and non-polar, at codon 1329 of the TTC37 protein (p.Leu1329Val). This variant is present in population databases (no rsID available, gnomAD 0.002%). This variant has not been reported in the literature in individuals affected with TTC37-related conditions. Algorithms developed to predict the effect of missense changes on protein structure and function are either unavailable or do not agree on the potential impact of this missense change (SIFT: "Deleterious"; PolyPhen-2: "Possibly Damaging"; Align-GVGD: "Class C0"). In summary, the available evidence is currently insufficient to determine the role of this variant in disease. Therefore, it has been classified as a Variant of Uncertain Significance.